The following is an entry in ClinVar:

ClinVar aggregate classification (germline): Uncertain significance (1 of 4 stars; one submission).

Allele frequency attached by ClinVar (database versions not stated): ExAC 0.00001; gnomAD 0.00001; TOPMed 0.00001; ESP Exome Variant Server 0.00008.
gnomAD v4.1: 20 of 1,614,022 alleles (0.0012%); highest among the groups gnomAD compares: East Asian, 0.02%; no homozygotes.

Submission:

Labcorp Genetics (formerly Invitae), Labcorp
Classification: Uncertain significance. Last evaluated: 2024-10-16. Review status: criteria provided, single submitter. Criteria: Invitae Variant Classification Sherloc (09022015). Collection method: clinical testing. Allele origin: germline.
Comment: This sequence change replaces glutamine, which is neutral and polar, with lysine, which is basic and polar, at codon 72 of the REST protein (p.Gln72Lys). This variant is present in population databases (rs377080732, gnomAD 0.002%). This variant has not been reported in the literature in individuals affected with REST-related conditions. ClinVar contains an entry for this variant (Variation ID: 2171042). An algorithm developed to predict the effect of missense changes on protein structure and function (PolyPhen-2) suggests that this variant is likely to be disruptive. In summary, the available evidence is currently insufficient to determine the role of this variant in disease. Therefore, it has been classified as a Variant of Uncertain Significance.

NM_005612.5(REST):c.214C>A (p.Gln72Lys)

Gene: REST (RE1 silencing transcription factor; plus strand). Cytogenetic location: 4q12.
Variant type: single nucleotide variant.
Coding change: c.214C>A on transcript NM_005612.5 (MANE Select); coding-DNA position 214, C replaced by A.
Protein change: p.Gln72Lys; replaces glutamine 72 with lysine.
Molecular consequence: missense variant.
Genome position (GRCh38, 1-based): chr4:56,910,852, C>A. VCF-style: chr4-56910852-C-A. GRCh37 (hg19) VCF-style: chr4-57777018-C-A.
Other names: c.214C>A, p.Gln72Lys (NM_001193508.2, NM_001363453.3); short protein forms Q72K.
Identifiers: ClinVar variation 2171042 (VCV002171042.4), dbSNP rs377080732, ClinGen allele CA2932055.
Genomic context (GRCh38, chr4:56,910,852, plus strand): 5'-GTGGCCTTAACTGGGGAAGTAAATGGCAGCTGCTGTGATTACCTGGTCGGTGAAGAAAGA[C>A]AGATGGCAGAACTGATGCCGGTTGGGGATAACAACTTTTCAGATAGTGAAGAAGGAGAAG-3'
Protein context (NP_005603.3, residues 62-82): CCDYLVGEER[Gln72Lys]MAELMPVGDN